The following is an entry in ClinVar:

NM_000051.4(ATM):c.3171del (p.Lys1057fs)

Gene: ATM (ATM serine/threonine kinase; plus strand). Cytogenetic location: 11q22.3.
Variant type: Deletion.
Coding change: c.3171del on transcript NM_000051.4 (MANE Select); coding-DNA position 3171, one base deleted (A; older notation c.3171delA).
Protein change: p.Lys1057fs; shifts the reading frame from lysine 1057.
Molecular consequence: frameshift variant.
Genome position (GRCh38, 1-based): chr11:108,272,739, A deleted; the last of 4 consecutive A bases (chr11:108,272,736-108,272,739); deleting any one gives the same sequence. VCF-style (leftmost placement, unchanged base first): chr11-108272735-CA-C. GRCh37 (hg19) VCF-style: chr11-108143462-CA-C.
Other names: c.3171del, p.Lys1057fs (NM_001351834.2); short protein forms K1057fs.
Identifiers: ClinVar variation 2866840 (VCV002866840.4), dbSNP rs2135570105, ClinGen allele CA2739270909.

ClinVar aggregate classification (germline): Pathogenic. Review status: criteria provided, multiple submitters, no conflicts (2 of 4 stars). 2 submissions from 2 submitters: Pathogenic (2). Last evaluated 2024-01-08.

Conditions:
Hereditary cancer-predisposing syndrome. Also called: Hereditary neoplastic syndrome; Hereditary Cancer Syndrome; Neoplastic Syndromes, Hereditary; Tumor predisposition. Identifiers: Orphanet 140162, MedGen C0027672, MeSH D009386, MONDO:0015356.
Ataxia-telangiectasia syndrome (AT). Also called: AT, COMPLEMENTATION GROUP C; Ataxia telangiectasia (A-T); ATAXIA-TELANGIECTASIA, COMPLEMENTATION GROUP A; ATAXIA-TELANGIECTASIA, FRESNO VARIANT; Ataxia-telangiectasia, complementation group D; Ataxia-telangiectasia, complementation group E. Identifiers: Orphanet 100, MedGen C0004135, MONDO:0008840, OMIM 208900.

Submissions (2):

Ambry Genetics
Classification: Pathogenic for Hereditary cancer-predisposing syndrome. Last evaluated: 2024-01-08. Review status: criteria provided, single submitter. Criteria: Ambry Variant Classification Scheme 2023. Collection method: clinical testing. Allele origin: germline.
Comment: The c.3171delA pathogenic mutation, located in coding exon 21 of the ATM gene, results from a deletion of one nucleotide at nucleotide position 3171, causing a translational frameshift with a predicted alternate stop codon (p.K1057Nfs*7). This variant is considered to be rare based on population cohorts in the Genome Aggregation Database (gnomAD). This alteration is expected to result in loss of function by premature protein truncation or nonsense-mediated mRNA decay. As such, this alteration is interpreted as a disease-causing mutation.

Labcorp Genetics (formerly Invitae), Labcorp
Classification: Pathogenic for Ataxia-telangiectasia syndrome. Last evaluated: 2023-06-06. Review status: criteria provided, single submitter. Criteria: Invitae Variant Classification Sherloc (09022015). Collection method: clinical testing. Allele origin: germline.
Comment: For these reasons, this variant has been classified as Pathogenic. This variant has not been reported in the literature in individuals affected with ATM-related conditions. This variant is not present in population databases (gnomAD no frequency). This sequence change creates a premature translational stop signal (p.Lys1057Asnfs*7) in the ATM gene. It is expected to result in an absent or disrupted protein product. Loss-of-function variants in ATM are known to be pathogenic (PMID: 23807571, 25614872).

Literature cited by the submitters: PubMed 23807571 (cited by Labcorp Genetics (formerly Invitae), Labcorp); PubMed 25614872 (cited by Labcorp Genetics (formerly Invitae), Labcorp).